The following is an entry in ClinVar:

NM_024426.6(WT1):c.1420C>T (p.His474Tyr)

Gene: WT1 (WT1 transcription factor; minus strand). Cytogenetic location: 11p13.
Variant type: single nucleotide variant.
Coding change: c.1420C>T on transcript NM_024426.6 (MANE Select); coding-DNA position 1420, C replaced by T.
Protein change: p.His474Tyr; replaces histidine 474 with tyrosine.
Molecular consequence: missense variant. On other transcripts: non-coding transcript variant (1).
Genome position (GRCh38, 1-based): chr11:32,391,999, G>A on the plus strand (C>T on the coding strand, the complement: WT1 is on the minus strand). VCF-style: chr11-32391999-G-A. GRCh37 (hg19) VCF-style: chr11-32413545-G-A.
Other names: c.1369C>T, p.His457Tyr (NM_000378.6, NM_001407045.1); c.769C>T, p.His257Tyr (NM_001198551.2); c.718C>T, p.His240Tyr (NM_001198552.2); c.232C>T, p.His78Tyr (NM_001367854.1); c.1414C>T, p.His472Tyr (NM_001407044.1); c.1297C>T, p.His433Tyr (NM_001407047.1); c.1279C>T, p.His427Tyr (NM_001407048.1); c.1246C>T, p.His416Tyr (NM_001407050.1); and 3 more; short protein forms H240Y, H257Y, H457Y, H474Y, H78Y, H220Y, H416Y, H427Y.
Identifiers: ClinVar variation 1678751 (VCV001678751.4), dbSNP rs1250438314, ClinGen allele CA379958767.

ClinVar aggregate classification (germline): Likely pathogenic. Review status: criteria provided, single submitter (1 of 4 stars). 2 submissions from 2 submitters: Likely pathogenic (1). 1 of the submissions does not count toward it. Last evaluated 2019-06-21.

Conditions:
WT1-related disorder. Also called: WT1-related disorders. Identifiers: MedGen CN377814.

Submissions (2):

GeneDx
Classification: Likely pathogenic. Last evaluated: 2019-06-21. Review status: criteria provided, single submitter. Criteria: GeneDx Variant Classification Process June 2021. Collection method: clinical testing. Allele origin: germline. Affected: yes.
Comment: In silico analysis, which includes protein predictors and evolutionary conservation, supports a deleterious effect; No data available from control populations to assess the frequency of this variant; Falls within the C2H2-type 3 zinc finger domain which is a region important for interaction with DNA; This variant is associated with the following publications: (PMID: 8111391)

PreventionGenetics, part of Exact Sciences
Classification: Pathogenic for WT1-related condition. Last evaluated: 2024-03-26. Review status: no assertion criteria provided. Collection method: clinical testing. Allele origin: germline. Not counted in ClinVar's aggregate classification.
Comment: The WT1 c.1405C>T variant is predicted to result in the amino acid substitution p.His469Tyr. This variant, also described as p.His401Tyr or p.His474Tyr, has been reported in individuals with Denys-Drash syndrome (Baird et al. 1993. PubMed ID: 8111391; Wang et al. 2021. PubMed ID: 33942367). This variant is reported in 0.0042% of alleles in individuals of African descent in gnomAD; however, the quality of this data is questionable and should be interpreted with caution. Different missense changes impacting the same amino acid (p.His469Pro, p.His469Arg, p.His469Gln) have been reported in individuals with Denys-Drash syndrome and nephrotic syndrome (Human Gene Mutation Database). Taken together, this variant is interpreted as pathogenic.